The following is an entry in ClinVar:

NM_007294.4(BRCA1):c.4987_5074del (p.Val1665Serfs)

Gene: BRCA1 (BRCA1 DNA repair associated; minus strand). Cytogenetic location: 17q21.31.
Variant type: Deletion.
Coding change: c.4987_5074del on transcript NM_007294.4; coding-DNA positions 4987 to 5074, 88 bases deleted.
Protein change: p.Val1665Serfs; shifts the reading frame from valine 1665.
Molecular consequence: intron variant (on NM_001408514.1).
Genome position (GRCh38, 1-based): chr17:43,067,608-43,067,695, 88 bases deleted. GRCh37 (hg19): chr17:41,219,628-41,219,715.
Other names: 5106_5193del88; c.839-3744_839-3657del (NM_001408514.1).
Identifiers: ClinVar variation 266506 (VCV000266506.5), ClinGen allele CA10589621.

ClinVar aggregate classification (germline): Pathogenic. Review status: reviewed by expert panel (3 of 4 stars). 3 submissions from 3 submitters: Pathogenic (1). 2 of the submissions do not count toward it. Last evaluated 2016-10-18.

Conditions:
Breast-ovarian cancer, familial, susceptibility to, 1 (BROVCA1). Also called: OVARIAN CANCER, SUSCEPTIBILITY TO; BRCA1 Hereditary Breast and Ovarian Cancer. Identifiers: Orphanet 145, MedGen C2676676, MONDO:0011450, OMIM 604370. Disease mechanism: loss of function.

Submissions (3):

Evidence-based Network for the Interpretation of Germline Mutant Alleles (ENIGMA)
Classification: Pathogenic for Breast-ovarian cancer, familial, susceptibility to, 1. Last evaluated: 2016-10-18. Review status: reviewed by expert panel. Criteria: ENIGMA BRCA1/2 Classification Criteria (2015). Collection method: curation. Allele origin: germline.
Comment: Variant allele predicted to encode a truncated non-functional protein.

Quest Diagnostics Nichols Institute San Juan Capistrano
Classification: Pathogenic. Last evaluated: 2020-02-06. Review status: criteria provided, single submitter. Criteria: Quest Diagnostics criteria. Collection method: clinical testing. Allele origin: unknown. Not counted in ClinVar's aggregate classification.
Comment: The variant results in a shift of the reading frame, and is therefore predicted to result in the loss of a functional protein. Found in at least one patient with expected phenotype for this gene, and not found in general population data.

Consortium of Investigators of Modifiers of BRCA1/2 (CIMBA), c/o University of Cambridge
Classification: Pathogenic for Breast-ovarian cancer, familial, susceptibility to, 1. Last evaluated: 2015-10-02. Review status: criteria provided, single submitter. Criteria: CIMBA Mutation Classification guidelines May 2016. Collection method: clinical testing. Allele origin: germline. Not counted in ClinVar's aggregate classification.

Literature cited by the submitters: PubMed 16551709 (cited by Quest Diagnostics Nichols Institute San Juan Capistrano); PubMed 21324516 (cited by Quest Diagnostics Nichols Institute San Juan Capistrano); PubMed 16715518 (cited by Quest Diagnostics Nichols Institute San Juan Capistrano); PubMed 18431737 (cited by Quest Diagnostics Nichols Institute San Juan Capistrano); PubMed 20232141 (cited by Quest Diagnostics Nichols Institute San Juan Capistrano); PubMed 9041180 (cited by Quest Diagnostics Nichols Institute San Juan Capistrano).